The following is an entry in ClinVar:

ClinVar aggregate classification (germline): Uncertain significance. Review status: criteria provided, multiple submitters, no conflicts (2 of 4 stars). 2 submissions from 2 submitters: Uncertain significance (2). Last evaluated 2024-01-14.

Allele frequency attached by ClinVar (database versions not stated): TOPMed below 0.00001.

Submissions (2):

Ambry Genetics
Classification: Uncertain significance. Last evaluated: 2024-01-14. Review status: criteria provided, single submitter. Criteria: Ambry Variant Classification Scheme 2023. Collection method: clinical testing. Allele origin: germline.
Comment: The p.Q563P variant (also known as c.1688A>C), located in coding exon 12 of the RINT1 gene, results from an A to C substitution at nucleotide position 1688. The glutamine at codon 563 is replaced by proline, an amino acid with similar properties. This amino acid position is conserved. In addition, this alteration is predicted to be deleterious by in silico analysis. Since supporting evidence is limited at this time, the clinical significance of this alteration remains unclear.

Labcorp Genetics (formerly Invitae), Labcorp
Classification: Uncertain significance. Last evaluated: 2022-10-12. Review status: criteria provided, single submitter. Criteria: Invitae Variant Classification Sherloc (09022015). Collection method: clinical testing. Allele origin: germline.
Comment: This variant is not present in population databases (gnomAD no frequency). In summary, the available evidence is currently insufficient to determine the role of this variant in disease. Therefore, it has been classified as a Variant of Uncertain Significance. Algorithms developed to predict the effect of sequence changes on RNA splicing suggest that this variant may create or strengthen a splice site. Algorithms developed to predict the effect of missense changes on protein structure and function are either unavailable or do not agree on the potential impact of this missense change (SIFT: "Deleterious"; PolyPhen-2: "Probably Damaging"; Align-GVGD: "Class C0"). This variant has not been reported in the literature in individuals affected with RINT1-related conditions. This sequence change replaces glutamine, which is neutral and polar, with proline, which is neutral and non-polar, at codon 563 of the RINT1 protein (p.Gln563Pro).

NM_021930.6(RINT1):c.1688A>C (p.Gln563Pro)

Gene: RINT1 (RAD50 interactor 1; plus strand). Cytogenetic location: 7q22.3.
Variant type: single nucleotide variant.
Coding change: c.1688A>C on transcript NM_021930.6 (MANE Select); coding-DNA position 1688, A replaced by C.
Protein change: p.Gln563Pro; replaces glutamine 563 with proline.
Molecular consequence: missense variant. On other transcripts: non-coding transcript variant (1).
Genome position (GRCh38, 1-based): chr7:105,563,749, A>C. VCF-style: chr7-105563749-A-C. GRCh37 (hg19) VCF-style: chr7-105204196-A-C.
Other names: c.1454A>C, p.Gln485Pro (NM_001346599.2); c.665A>C, p.Gln222Pro (NM_001346600.2, NM_001346603.2); c.764A>C, p.Gln255Pro (NM_001346601.2); c.1688A>C (NM_021930.4); short protein forms Q222P, Q255P, Q485P, Q563P.
Identifiers: ClinVar variation 1720696 (VCV001720696.6), dbSNP rs1791553605, ClinGen allele CA368813487.